The following is an entry in ClinVar:

NM_007294.4(BRCA1):c.2156_2163dup (p.Val722fs)

Gene: BRCA1 (BRCA1 DNA repair associated; minus strand). Cytogenetic location: 17q21.31.
Variant type: Duplication.
Coding change: c.2156_2163dup on transcript NM_007294.4 (MANE Select); coding-DNA positions 2156 to 2163, 8 bases duplicated (AAGAATTT; older notation c.2156_2163dupAAGAATTT).
Protein change: p.Val722fs; shifts the reading frame from valine 722.
Molecular consequence: frameshift variant. On other transcripts: intron variant (137).
Genome position (GRCh38, 1-based): chr17:43,093,368-43,093,375, AAATTCTT duplicated on the plus strand (AAGAATTT on the coding strand, the reverse complement: BRCA1 is on the minus strand). VCF-style (leftmost placement, unchanged base first): chr17-43093367-C-CAAATTCTT. GRCh37 (hg19) VCF-style: chr17-41245384-C-CAAATTCTT.
Other names: c.2156_2163dupAAGAATTT (NM_007294.3); c.1946_1953dup, p.Val652fs (NM_001407889.1, NM_001407900.1, NM_001407902.1 and 13 more transcripts); c.1943_1950dup, p.Val651fs (NM_001407894.1, NM_001407895.1, NM_001407896.1 and 9 more transcripts); c.2033_2040dup, p.Val681fs (NM_001407919.1, NM_001407937.1, NM_001407938.1 and 19 more transcripts); c.1892_1899dup, p.Val634fs (NM_001407920.1, NM_001407921.1, NM_001407922.1 and 9 more transcripts); c.1889_1896dup, p.Val633fs (NM_001407930.1, NM_001407931.1, NM_001407932.1 and 2 more transcripts); c.2030_2037dup, p.Val680fs (NM_001407940.1, NM_001407941.1, NM_001407649.1 and 11 more transcripts); c.2015_2022dup, p.Val675fs (NM_001407942.1, NM_001407944.1, NM_001407945.1 and 29 more transcripts); and 42 more; short protein forms V675fs, V722fs, V655fs, V426fs, V611fs, V634fs, V680fs, V681fs.
Identifiers: ClinVar variation 491039 (VCV000491039.5), dbSNP rs1555590322, ClinGen allele CA658684098.
Genomic context (GRCh38, chr17:43,093,367, plus strand): 5'-TAGACACTTTAACTGTTTCTAGTTTCTCTTCTTTTTCTTCTCTTGGAAGGCTAGGATTGA[C>CAAATTCTT]AAATTCTTTAAGTTCACTGGTATTTGAACACTTAGTAAAAGAACCAGGTGCATTTGTTAA-3'

ClinVar aggregate classification (germline): Pathogenic (1 of 4 stars; one submission).

Conditions:
Hereditary cancer-predisposing syndrome. Also called: Hereditary Cancer Syndrome; Neoplastic Syndromes, Hereditary; Tumor predisposition; Hereditary neoplastic syndrome. Identifiers: Orphanet 140162, MedGen C0027672, MeSH D009386, MONDO:0015356.

Submission:

Color Diagnostics, LLC DBA Color Health
Classification: Pathogenic for Hereditary cancer-predisposing syndrome. Last evaluated: 2020-05-04. Review status: criteria provided, single submitter. Criteria: ACMG Guidelines, 2015. Collection method: clinical testing. Allele origin: germline.
Comment: This variant inserts 8 nucleotides in exon 10 of the BRCA1 gene, creating a frameshift and premature translation stop signal. This variant is expected to result in an absent or non-functional protein product. To our knowledge, this variant has not been reported in individuals affected with hereditary cancer in the literature. This variant has not been identified in the general population by the Genome Aggregation Database (gnomAD). Loss of BRCA1 function is a known mechanism of disease. Based on the available evidence, this variant is classified as Pathogenic.